The following is an entry in ClinVar:

NM_001376.5(DYNC1H1):c.9691G>A (p.Val3231Met)

Gene: DYNC1H1 (dynein cytoplasmic 1 heavy chain 1; plus strand). Cytogenetic location: 14q32.31.
Variant type: single nucleotide variant.
Coding change: c.9691G>A on transcript NM_001376.5 (MANE Select); coding-DNA position 9691, G replaced by A.
Protein change: p.Val3231Met; replaces valine 3231 with methionine.
Molecular consequence: missense variant.
Genome position (GRCh38, 1-based): chr14:102,029,867, G>A. VCF-style: chr14-102029867-G-A. GRCh37 (hg19) VCF-style: chr14-102496204-G-A.
Other names: p.Val3231Met; short protein forms V3231M.
Identifiers: ClinVar variation 4541906 (VCV004541906.1).

ClinVar aggregate classification (germline): Uncertain significance (1 of 4 stars; one submission).

gnomAD v4.1: 3 of 1,614,184 alleles (0.00019%); highest among the groups gnomAD compares: Non-Finnish European, 0.00025%; no homozygotes.

Submission:

Mayo Clinic Laboratories, Mayo Clinic
Classification: Uncertain significance. Last evaluated: 2025-05-21. Review status: criteria provided, single submitter. Criteria: ACMG Guidelines, 2015. Collection method: clinical testing. Allele origin: germline. Observed: 1 variant allele.
Comment: PP2